The following is an entry in ClinVar:

NM_000545.8(HNF1A):c.1309+184dup

Gene: HNF1A (HNF1 homeobox A; plus strand). Cytogenetic location: 12q24.31.
Variant type: Duplication.
Coding change: c.1309+184dup on transcript NM_000545.8 (MANE Select); 184 bases into the intron after coding-DNA position 1309, one base duplicated (A; older notation c.1309+184dupA).
Molecular consequence: intron variant.
Genome position (GRCh38, 1-based): chr12:120,996,926, A duplicated; the last of 4 consecutive A bases (chr12:120,996,923-120,996,926); duplicating any one gives the same sequence. VCF-style (leftmost placement, unchanged base first): chr12-120996922-C-CA. GRCh37 (hg19) VCF-style: chr12-121434725-C-CA.
Other names: c.1309+184dup (NM_001306179.2).
Identifiers: ClinVar variation 135500 (VCV000135500.2), dbSNP rs201039488, ClinGen allele CA162955.

ClinVar aggregate classification (germline): Benign. Review status: criteria provided, single submitter (1 of 4 stars). 2 submissions from 2 submitters: Benign (1). 1 of the submissions does not count toward it.

Conditions:
Maturity-onset diabetes of the young (MODY). Also called: Maturity onset diabetes mellitus in young. Identifiers: Orphanet 552, MedGen C0342276, MONDO:0018911, HP:0004904.

Submissions (2):

Clinical Genomics, Uppaluri K&H Personalized Medicine Clinic
Classification: Benign for Maturity-onset diabetes of the young. Review status: criteria provided, single submitter. Criteria: K & H Uppaluri Personalized Medicine Clinic Variant Classification & Assertion Criteria_Updated V.1. Collection method: research. Allele origin: unknown. Inheritance: Autosomal dominant inheritance.
Comment: Mutations in HNF1A gene can predispose to MODY3. It is associated with both micro and macrovascular complications of diabetes, especially cardiovascular complications. Associated with glucosuria. May respond well to sulfonylureas. However, more evidence is required to confer the association of this particular variant rs201039488 with MODY3.

ITMI
No classification provided. Condition: AllHighlyPenetrant. Last evaluated: 2013-09-19. Review status: no classification provided. Collection method: reference population. Allele origin: germline. Not counted in ClinVar's aggregate classification.
Comment: Please see associated publication for description of ethnicities

Literature cited by the submitters: PubMed 31517624 (cited by Clinical Genomics, Uppaluri K&H Personalized Medicine Clinic); PubMed 35328643 (cited by Clinical Genomics, Uppaluri K&H Personalized Medicine Clinic); PubMed 32395877 (cited by Clinical Genomics, Uppaluri K&H Personalized Medicine Clinic); PubMed 35673428 (cited by Clinical Genomics, Uppaluri K&H Personalized Medicine Clinic); PubMed 24728327 (cited by ITMI).